The following continues an entry in ClinVar:

NM_000059.4(BRCA2):c.7008-2A>T

Gene: BRCA2. ClinVar aggregate classification (germline): Pathogenic. Pathogenic (1).

Submissions 7 to 14 of 14:

Revvity Omics, Revvity
Classification: Pathogenic. Last evaluated: 2022-02-23. Review status: criteria provided, single submitter. Criteria: ACMG Guidelines, 2015. Collection method: clinical testing. Allele origin: germline. Not counted in ClinVar's aggregate classification.

Quest Diagnostics Nichols Institute San Juan Capistrano
Classification: Pathogenic. Last evaluated: 2021-12-22. Review status: criteria provided, single submitter. Criteria: Quest Diagnostics criteria. Collection method: clinical testing. Allele origin: unknown. Not counted in ClinVar's aggregate classification.
Comment: This variant is located in a canonical splice-acceptor site and interferes with normal BRCA2 mRNA splicing. In the published literature, the variant has been reported in patients with hereditary breast and ovarian cancer, male breast cancer, prostate cancer, and pancreatic cancer (PMIDs: 32854451 (2020), 32338768 (2020), 32058061 (2020), 32438681 (2020), 33287145 (2020), 31512090 (2019), 31336956 (2019), 30014164 (2018), 25980754 (2015), 21934105 (2011), 19179552 (2009), 19423647 (2009)). In functional studies, this variant has been shown to disrupt splicing and lead to exon skipping (PMIDs: 30883759 (2019), 26913838 (2016), 23451180 (2013), 22962691 (2012), 22505045 (2012)). Of note, this variant is frequently reported in cis with BRCA2 c.631G>A (p.Val211Ile), also reported in the literature as c.859G>A (PMIDs: 32338768 (2020), 32058061 (2020), 32438681 (2020), 33287145 (2020), 31336956 (2019), 19423647 (2009), 19179552 (2009), 12960223 (2003)). It has not been reported in large, multi-ethnic general populations. Based on the available information, this variant is classified as pathogenic.

Baylor Genetics
Classification: Pathogenic for Familial cancer of breast. Last evaluated: 2021-10-18. Review status: criteria provided, single submitter. Criteria: ACMG Guidelines, 2015. Collection method: clinical testing. Allele origin: unknown. Not counted in ClinVar's aggregate classification.

Consortium of Investigators of Modifiers of BRCA1/2 (CIMBA), c/o University of Cambridge
Classification: Pathogenic for Breast-ovarian cancer, familial, susceptibility to, 2. Last evaluated: 2015-10-02. Review status: criteria provided, single submitter. Criteria: CIMBA Mutation Classification guidelines May 2016. Collection method: clinical testing. Allele origin: germline. Not counted in ClinVar's aggregate classification.

Counsyl
Classification: Likely pathogenic for Breast-ovarian cancer, familial, susceptibility to, 2. Last evaluated: 2016-12-05. Review status: no assertion criteria provided. Collection method: clinical testing. Allele origin: unknown. Not counted in ClinVar's aggregate classification.

Breast Cancer Information Core (BIC) (BRCA2)
Classification: Pathogenic for Breast-ovarian cancer, familial 2. Last evaluated: 2002-05-29. Review status: no assertion criteria provided. Collection method: clinical testing. Allele origin: germline. Affected: yes. Observed: 5 variant alleles. Not counted in ClinVar's aggregate classification.

Department of Pathology and Laboratory Medicine, Sinai Health System
Classification: Pathogenic for Breast-ovarian cancer, familial, susceptibility to, 2. Review status: no assertion criteria provided. Collection method: clinical testing. Allele origin: unknown. Affected: yes. Observed: 4 variant alleles. Study: The Canadian Open Genetics Repository (COGR). Not counted in ClinVar's aggregate classification.
Comment: The c.7008-2A>T variant has been previously reported in the literature in 8/64 proband chromosomes of individuals of Italian descent with hereditary breast and/or ovarian cancer. However, no control chromosomes were evaluated to establish the prevalence of the variant in the general population (Colombo 2009, Pensabene 2009, Lowery 2011, Gaildrat 2012, Diez 2009). The c.7008-2A>T variant is predicted to cause abnormal splicing because the nucleotide substitution occurs in the -2 position of the splice consensus sequence. Indeed, functional studies have shown that the variant altered the natural splice sites leading to exon skipping due to modification of the 5' splice site (Pensabene 2009, Gaildrat 2012). In-silico or computational prediction software (SpliceSiteFinder, MaxEntScan, NNSPLICE, GeneSplicer, HumanSpliceFinder) predicts a greater than 10% difference in splicing in all 5 programs. The variant has been reported twice in the UMD database as causal, and six times in the BIC database as clinically significant. However, as one of the studies pointed out, the c.7008-2A>T mutation may not contribute to cancer risk in the context of the c.631G>A variant, since it lies downstream of the other mutation identified in this individual that completely abolishes the synthesis of a functional gene product (Colombo 2009). In summary, based on the above information, this variant meets our laboratory's criteria to be classified as pathogenic.

Foulkes Cancer Genetics LDI, Lady Davis Institute for Medical Research
Classification: Pathogenic for Breast and/or ovarian cancer. Review status: no assertion criteria provided. Collection method: clinical testing. Allele origin: germline. Study: The Canadian Open Genetics Repository (COGR). Not counted in ClinVar's aggregate classification.

Literature cited by the submitters: PubMed 23451180 (cited by 7 submitters); PubMed 19179552 (cited by 6 submitters); PubMed 19423647 (cited by 5 submitters); PubMed 22962691 (cited by 5 submitters); PubMed 25980754 (cited by Labcorp Genetics (formerly Invitae), Labcorp and Quest Diagnostics Nichols Institute San Juan Capistrano); PubMed 29446198 (cited by Labcorp Genetics (formerly Invitae), Labcorp); PubMed 30014164 (cited by 3 submitters); PubMed 22505045 (cited by 5 submitters); PubMed 31191615 (cited by Labcorp Genetics (formerly Invitae), Labcorp and Color Diagnostics, LLC DBA Color Health); PubMed 21934105 (cited by 3 submitters); PubMed 27125725 (cited by Color Diagnostics, LLC DBA Color Health and Ambry Genetics); PubMed 31336956 (cited by Color Diagnostics, LLC DBA Color Health and Quest Diagnostics Nichols Institute San Juan Capistrano); PubMed 34296289 (cited by Color Diagnostics, LLC DBA Color Health and Women's Health and Genetics/Laboratory Corporation of America, LabCorp); PubMed 19542536 (cited by Women's Health and Genetics/Laboratory Corporation of America, LabCorp and Counsyl); PubMed 27062684 (cited by Women's Health and Genetics/Laboratory Corporation of America, LabCorp); PubMed 32854451 (cited by Quest Diagnostics Nichols Institute San Juan Capistrano); PubMed 32338768 (cited by Quest Diagnostics Nichols Institute San Juan Capistrano); PubMed 32058061 (cited by Quest Diagnostics Nichols Institute San Juan Capistrano); PubMed 32438681 (cited by Quest Diagnostics Nichols Institute San Juan Capistrano); PubMed 33287145 (cited by Quest Diagnostics Nichols Institute San Juan Capistrano); PubMed 30883759 (cited by Quest Diagnostics Nichols Institute San Juan Capistrano); PubMed 31512090 (cited by Quest Diagnostics Nichols Institute San Juan Capistrano); PubMed 26913838 (cited by Quest Diagnostics Nichols Institute San Juan Capistrano and Counsyl); PubMed 33471991 (cited by Quest Diagnostics Nichols Institute San Juan Capistrano); PubMed 21523855 (cited by Counsyl).